The following is an entry in ClinVar:

ClinVar aggregate classification (germline): Uncertain significance (1 of 4 stars; one submission).

Conditions:
Infantile neuroaxonal dystrophy (NBIA2A). Also called: NEURODEGENERATION WITH BRAIN IRON ACCUMULATION 2A; SEITELBERGER DISEASE; Infantile neuroaxonal dystrophy 1. Identifiers: Orphanet 35069, MedGen C0270724, MONDO:0024457, OMIM 256600.

gnomAD v4.1: 26 of 1,562,824 alleles (0.0017%); highest among the groups gnomAD compares: Admixed American, 0.047%; no homozygotes.

Submission:

Labcorp Genetics (formerly Invitae), Labcorp
Classification: Uncertain significance for Infantile neuroaxonal dystrophy. Last evaluated: 2022-03-29. Review status: criteria provided, single submitter. Criteria: Invitae Variant Classification Sherloc (09022015). Collection method: clinical testing. Allele origin: germline.
Comment: This sequence change replaces arginine, which is basic and polar, with glycine, which is neutral and non-polar, at codon 301 of the PLA2G6 protein (p.Arg301Gly). This variant is present in population databases (no rsID available, gnomAD 0.03%). This variant has not been reported in the literature in individuals affected with PLA2G6-related conditions. Advanced modeling of protein sequence and biophysical properties (such as structural, functional, and spatial information, amino acid conservation, physicochemical variation, residue mobility, and thermodynamic stability) performed at Invitae indicates that this missense variant is expected to disrupt PLA2G6 protein function. In summary, the available evidence is currently insufficient to determine the role of this variant in disease. Therefore, it has been classified as a Variant of Uncertain Significance.

NM_003560.4(PLA2G6):c.901C>G (p.Arg301Gly)

Gene: PLA2G6 (phospholipase A2 group VI; minus strand). Cytogenetic location: 22q13.1.
Variant type: single nucleotide variant.
Coding change: c.901C>G on transcript NM_003560.4 (MANE Select); coding-DNA position 901, C replaced by G.
Protein change: p.Arg301Gly; replaces arginine 301 with glycine.
Molecular consequence: missense variant.
Genome position (GRCh38, 1-based): chr22:38,133,007, G>C on the plus strand (C>G on the coding strand, the complement: PLA2G6 is on the minus strand). VCF-style: chr22-38133007-G-C. GRCh37 (hg19) VCF-style: chr22-38529014-G-C.
Other names: c.901C>G, p.Arg301Gly (NM_001004426.3, NM_001199562.3, NM_001349864.2 and 2 more transcripts); c.367C>G, p.Arg123Gly (NM_001349867.2, NM_001349869.2); c.223C>G, p.Arg75Gly (NM_001349868.2); short protein forms R301G, R123G, R75G.
Identifiers: ClinVar variation 2048172 (VCV002048172.1), dbSNP rs367854265, ClinGen allele CA411530964.
Genomic context (GRCh38, chr22:38,133,007, plus strand): 5'-GGGCCGTGTTCCCCGCGGAGCTGGTGCTGTTCACGTTGCAGCCCCGTTTCAGCAGCATGC[G>C]GGCCATCTGCGGGAGACGGTCAGGCTGAGTTAGCACAGGCACTCGGGGAGCTGCCGCACC-3'
Protein context (NP_003551.2, residues 291-311): LHWAKNAEMA[Arg301Gly]MLLKRGCNVN